The following is an entry in ClinVar:

NM_024675.4(PALB2):c.2435C>G (p.Pro812Arg)

Gene: PALB2 (partner and localizer of BRCA2; minus strand). Cytogenetic location: 16p12.2.
Variant type: single nucleotide variant.
Coding change: c.2435C>G on transcript NM_024675.4 (MANE Select); coding-DNA position 2435, C replaced by G.
Protein change: p.Pro812Arg; replaces proline 812 with arginine.
Molecular consequence: missense variant.
Genome position (GRCh38, 1-based): chr16:23,629,719, G>C on the plus strand (C>G on the coding strand, the complement: PALB2 is on the minus strand). VCF-style: chr16-23629719-G-C. GRCh37 (hg19) VCF-style: chr16-23641040-G-C.
Other names: short protein forms P812R.
Identifiers: ClinVar variation 1011479 (VCV001011479.14), dbSNP rs774502617, ClinGen allele CA395124266.
Genomic context (GRCh38, chr16:23,629,719, plus strand): 5'-TGCAGCTCCTGGCATGTGTTTCTACAGAGCTGATTTTCTTTAAAAGTGAATGACTCAATG[G>C]GTGGAGGTGTTCCTGGCGGGACAGAGTCACAGTCACAGGTAGGTTGTCCTTGCCTGCCTG-3'
Protein context (NP_078951.2, residues 802-822): CDSVPPGTPP[Pro812Arg]IESFTFKENQ

ClinVar aggregate classification (germline): Uncertain significance. Review status: criteria provided, multiple submitters, no conflicts (2 of 4 stars). 3 submissions from 3 submitters: Uncertain significance (3). Last evaluated 2025-03-20.

Conditions:
Hereditary cancer-predisposing syndrome. Also called: Hereditary Cancer Syndrome; Tumor predisposition; Neoplastic Syndromes, Hereditary; Hereditary neoplastic syndrome. Identifiers: Orphanet 140162, MedGen C0027672, MeSH D009386, MONDO:0015356.
Familial cancer of breast. Also called: BREAST CANCER, FAMILIAL; Hereditary breast cancer; hereditary breast carcinoma. Identifiers: Orphanet 227535, MedGen C0346153, MONDO:0016419, OMIM 114480. Disease mechanism: loss of function.

gnomAD v4.1: 1 of 1,614,214 alleles (0.000062%); highest among the groups gnomAD compares: Non-Finnish European, 0.000085%; no homozygotes.

Submissions (3):

Ambry Genetics
Classification: Uncertain significance for Hereditary cancer-predisposing syndrome. Last evaluated: 2025-03-20. Review status: criteria provided, single submitter. Criteria: Ambry Variant Classification Scheme 2023. Collection method: clinical testing. Allele origin: germline.
Comment: The p.P812R variant (also known as c.2435C>G), located in coding exon 5 of the PALB2 gene, results from a C to G substitution at nucleotide position 2435. The proline at codon 812 is replaced by arginine, an amino acid with dissimilar properties. This amino acid position is conserved. In addition, this alteration is predicted to be tolerated by in silico analysis. Based on the available evidence, the clinical significance of this variant remains unclear.

Color Diagnostics, LLC DBA Color Health
Classification: Uncertain significance for Hereditary cancer-predisposing syndrome. Last evaluated: 2024-03-06. Review status: criteria provided, single submitter. Criteria: ACMG Guidelines, 2015. Collection method: clinical testing. Allele origin: germline.
Comment: This missense variant replaces proline with arginine at codon 812 of the PALB2 protein. Computational prediction suggests that this variant may not impact protein structure and function (internally defined REVEL score threshold <= 0.5, PMID: 27666373). To our knowledge, functional studies have not been reported for this variant. This variant has not been reported in individuals affected with hereditary cancer in the literature. This variant has not been identified in the general population by the Genome Aggregation Database (gnomAD). The available evidence is insufficient to determine the role of this variant in disease conclusively. Therefore, this variant is classified as a Variant of Uncertain Significance.

Labcorp Genetics (formerly Invitae), Labcorp
Classification: Uncertain significance for Familial cancer of breast. Last evaluated: 2020-02-24. Review status: criteria provided, single submitter. Criteria: Invitae Variant Classification Sherloc (09022015). Collection method: clinical testing. Allele origin: germline.
Comment: In summary, the available evidence is currently insufficient to determine the role of this variant in disease. Therefore, it has been classified as a Variant of Uncertain Significance. Algorithms developed to predict the effect of missense changes on protein structure and function are either unavailable or do not agree on the potential impact of this missense change (SIFT: "Tolerated"; PolyPhen-2: "Probably Damaging"; Align-GVGD: "Class C0"). This variant has not been reported in the literature in individuals with PALB2-related conditions. This variant is not present in population databases (ExAC no frequency). This sequence change replaces proline with arginine at codon 812 of the PALB2 protein (p.Pro812Arg). The proline residue is moderately conserved and there is a moderate physicochemical difference between proline and arginine.